The following is an entry in ClinVar:

ClinVar aggregate classification (germline): Uncertain significance (1 of 4 stars; one submission).

Allele frequency attached by ClinVar (database versions not stated): gnomAD exomes below 0.00001; TOPMed below 0.00001.
gnomAD v4.1: 1 of 1,585,522 alleles (0.000063%); highest among the groups gnomAD compares: Non-Finnish European, 0.000085%; no homozygotes.

Submission:

Labcorp Genetics (formerly Invitae), Labcorp
Classification: Uncertain significance. Last evaluated: 2022-06-05. Review status: criteria provided, single submitter. Criteria: Invitae Variant Classification Sherloc (09022015). Collection method: clinical testing. Allele origin: germline.
Comment: Algorithms developed to predict the effect of sequence changes on RNA splicing suggest that this variant may disrupt the consensus splice site. In summary, the available evidence is currently insufficient to determine the role of this variant in disease. Therefore, it has been classified as a Variant of Uncertain Significance. This variant is not present in population databases (gnomAD no frequency). This sequence change falls in intron 4 of the IRF9 gene. It does not directly change the encoded amino acid sequence of the IRF9 protein. This variant has not been reported in the literature in individuals affected with IRF9-related conditions.

NM_006084.5(IRF9):c.496-9T>C

Gene: IRF9 (interferon regulatory factor 9; plus strand). Cytogenetic location: 14q12.
Variant type: single nucleotide variant.
Coding change: c.496-9T>C on transcript NM_006084.5 (MANE Select); 9 bases into the intron before coding-DNA position 496, T replaced by C.
Molecular consequence: intron variant.
Genome position (GRCh38, 1-based): chr14:24,163,869, T>C. VCF-style: chr14-24163869-T-C. GRCh37 (hg19) VCF-style: chr14-24633078-T-C.
Other names: c.496-9T>C (NM_001385400.1, NM_001385401.1, NM_001385402.1).
Identifiers: ClinVar variation 2002534 (VCV002002534.4), dbSNP rs1239194036, ClinGen allele CA704331809.
Genomic context (GRCh38, chr14:24,163,869, plus strand): 5'-CCTGGGCAACAAGAGTGAAACTCTGTCTCAAAAAAAGAGAAAAAAAATAAAAAGACACTG[T>C]GTCCGCAGGAGGAGGAGGGGGCCAGTGGGGGAGCAGTCCATTCAGACATTGGGAGCAGCA-3'